The following is an entry in ClinVar:

ClinVar aggregate classification (germline): Uncertain significance. Review status: criteria provided, multiple submitters, no conflicts (2 of 4 stars). 2 submissions from 2 submitters: Uncertain significance (2). Last evaluated 2025-08-20.

Conditions:
Brugada syndrome. Also called: Sudden unexpected nocturnal death syndrome; Sudden Unexplained Death Syndrome; Sudden Unexplained Nocturnal Death Syndrome (SUNDS); Sudden unexplained nocturnal death syndrome. Identifiers: Orphanet 130, MedGen C1142166, MONDO:0015263.
Cardiovascular phenotype. Identifiers: MedGen CN230736.

Allele frequency attached by ClinVar (database versions not stated): gnomAD exomes below 0.00001; gnomAD 0.00002.

Submissions (2):

Ambry Genetics
Classification: Uncertain significance for Cardiovascular phenotype. Last evaluated: 2025-08-20. Review status: criteria provided, single submitter. Criteria: Ambry Variant Classification Scheme 2023. Collection method: clinical testing. Allele origin: germline.
Comment: The p.P230S variant (also known as c.688C>T), located in coding exon 8 of the CACNA2D1 gene, results from a C to T substitution at nucleotide position 688. The proline at codon 230 is replaced by serine, an amino acid with similar properties. This amino acid position is conserved. In addition, this alteration is predicted to be tolerated by in silico analysis. Since supporting evidence is limited at this time, the clinical significance of this alteration remains unclear.

Labcorp Genetics (formerly Invitae), Labcorp
Classification: Uncertain significance for Brugada syndrome. Last evaluated: 2022-11-08. Review status: criteria provided, single submitter. Criteria: Invitae Variant Classification Sherloc (09022015). Collection method: clinical testing. Allele origin: germline.
Comment: This sequence change replaces proline, which is neutral and non-polar, with serine, which is neutral and polar, at codon 230 of the CACNA2D1 protein (p.Pro230Ser). The frequency data for this variant in the population databases is considered unreliable, as metrics indicate poor data quality at this position in the gnomAD database. This variant has not been reported in the literature in individuals affected with CACNA2D1-related conditions. ClinVar contains an entry for this variant (Variation ID: 965498). Algorithms developed to predict the effect of missense changes on protein structure and function are either unavailable or do not agree on the potential impact of this missense change (SIFT: "Deleterious"; PolyPhen-2: "Benign"; Align-GVGD: "Class C0"). In summary, the available evidence is currently insufficient to determine the role of this variant in disease. Therefore, it has been classified as a Variant of Uncertain Significance.

NM_000722.4(CACNA2D1):c.688C>T (p.Pro230Ser)

Gene: CACNA2D1 (calcium voltage-gated channel auxiliary subunit alpha2delta 1; minus strand). Cytogenetic location: 7q21.11.
Variant type: single nucleotide variant.
Coding change: c.688C>T on transcript NM_000722.4 (MANE Select); coding-DNA position 688, C replaced by T.
Protein change: p.Pro230Ser; replaces proline 230 with serine.
Molecular consequence: missense variant.
Genome position (GRCh38, 1-based): chr7:82,066,495, G>A on the plus strand (C>T on the coding strand, the complement: CACNA2D1 is on the minus strand). VCF-style: chr7-82066495-G-A. GRCh37 (hg19) VCF-style: chr7-81695811-G-A.
Other names: c.688C>T, p.Pro230Ser (NM_001302890.2, NM_001366867.1); c.688C>T (NM_000722.2); short protein forms P230S.
Identifiers: ClinVar variation 965498 (VCV000965498.13), dbSNP rs1461155317, ClinGen allele CA368016560.